The following is an entry in ClinVar:

ClinVar aggregate classification (germline): Uncertain significance (1 of 4 stars; one submission).

Conditions:
GNAS-related disorder. Identifiers: MedGen CN380105.

gnomAD v4.1: 11 of 1,594,488 alleles (0.00069%); highest among the groups gnomAD compares: Non-Finnish European, 0.00094%; no homozygotes.

Submission:

PreventionGenetics, part of Exact Sciences
Classification: Uncertain significance for GNAS-related condition. Last evaluated: 2026-04-28. Review status: criteria provided, single submitter. Criteria: ACMG Guidelines, 2015. Collection method: clinical testing. Allele origin: germline.
Comment: The GNAS c.1427C>A variant is predicted to result in the amino acid substitution p.Pro476Gln. Of note, in the more commonly reported transcript (NM_000516.5) this variant is pre-coding (c.-36848C>A). To our knowledge, this variant has not been reported in the literature or in a large population database (gnomAD), indicating this variant is rare. At this time, the clinical significance of this variant is uncertain due to the absence of conclusive functional and genetic evidence.

NM_080425.4(GNAS):c.1614C>A (p.Ala538=)

Gene: GNAS (GNAS complex locus; plus strand). Cytogenetic location: 20q13.32.
Variant type: single nucleotide variant.
Coding change: c.1614C>A on transcript NM_080425.4 (MANE Plus Clinical); coding-DNA position 1614, C replaced by A.
Protein change: p.Ala538=; no amino-acid change (alanine 538 retained).
Molecular consequence: synonymous variant. On other transcripts: missense variant (2), intron variant (3).
Genome position (GRCh38, 1-based): chr20:58,854,879, C>A. VCF-style: chr20-58854879-C-A. GRCh37 (hg19) VCF-style: chr20-57429934-C-A.
Other names: c.1427C>A, p.Pro476Gln (NM_001077490.3, NM_001309883.1); c.1614C>A, p.Ala538= (NM_001410913.1); c.*42+13993C>A (NM_016592.5); c.43+13993C>A (NM_001410912.1); c.-39+13004C>A (NM_001309861.2); short protein forms P476Q.
Identifiers: ClinVar variation 4982731 (VCV004982731.1).